The following is an entry in ClinVar:

ClinVar aggregate classification (germline): Pathogenic (1 of 4 stars; one submission).

Submission:

Labcorp Genetics (formerly Invitae), Labcorp
Classification: Pathogenic. Last evaluated: 2022-10-13. Review status: criteria provided, single submitter. Criteria: Invitae Variant Classification Sherloc (09022015). Collection method: clinical testing. Allele origin: germline.
Comment: This variant is a gross deletion of the genomic region encompassing exon(s) 2 of the PRKN gene. This deletion is out-of-frame, and is expected to create a premature termination codon and result in an absent or disrupted protein product. Loss-of-function variants in PRKN are known to be pathogenic (PMID: 10072423, 20301651, 22956510). A similar copy number variant has been observed in individuals with early-onset Parkinson's disease (PMID: 17914726, 21993715, 23880019). For these reasons, this variant has been classified as Pathogenic.

Literature cited by the submitters: PubMed 10072423; PubMed 20301651; PubMed 22956510; PubMed 17914726; PubMed 21993715; PubMed 23880019.

NC_000006.11:g.(?_162864322)_(162868359_?)del

Gene: PRKN (parkin RBR E3 ubiquitin protein ligase; minus strand). Cytogenetic location: 6q26.
Variant type: Deletion.
Identifiers: ClinVar variation 2425161 (VCV002425161.3).